The following is an entry in ClinVar:

ClinVar aggregate classification (germline): Uncertain significance (1 of 4 stars; one submission).

Allele frequency attached by ClinVar (database versions not stated): gnomAD exomes below 0.00001; TOPMed below 0.00001.
gnomAD v4.1: 2 of 1,613,606 alleles (0.00012%); highest among the groups gnomAD compares: African/African-American, 0.0027%; no homozygotes.

Submission:

Labcorp Genetics (formerly Invitae), Labcorp
Classification: Uncertain significance. Last evaluated: 2025-11-03. Review status: criteria provided, single submitter. Criteria: Invitae Variant Classification Sherloc (09022015). Collection method: clinical testing. Allele origin: germline.
Comment: This sequence change replaces serine, which is neutral and polar, with phenylalanine, which is neutral and non-polar, at codon 4222 of the PCLO protein (p.Ser4222Phe). This variant is not present in population databases (gnomAD no frequency). This variant has not been reported in the literature in individuals affected with PCLO-related conditions. ClinVar contains an entry for this variant (Variation ID: 1508520). Experimental studies and prediction algorithms are not available or were not evaluated, and the functional significance of this variant is currently unknown. In summary, the available evidence is currently insufficient to determine the role of this variant in disease. Therefore, it has been classified as a Variant of Uncertain Significance.

NM_033026.6(PCLO):c.12665C>T (p.Ser4222Phe)

Gene: PCLO (piccolo presynaptic cytomatrix protein; minus strand). Cytogenetic location: 7q21.11.
Variant type: single nucleotide variant.
Coding change: c.12665C>T on transcript NM_033026.6 (MANE Select); coding-DNA position 12665, C replaced by T.
Protein change: p.Ser4222Phe; replaces serine 4222 with phenylalanine.
Molecular consequence: missense variant.
Genome position (GRCh38, 1-based): chr7:82,915,321, G>A on the plus strand (C>T on the coding strand, the complement: PCLO is on the minus strand). VCF-style: chr7-82915321-G-A. GRCh37 (hg19) VCF-style: chr7-82544637-G-A.
Other names: c.12665C>T, p.Ser4222Phe (NM_014510.3); short protein forms S4222F.
Identifiers: ClinVar variation 1508520 (VCV001508520.8), dbSNP rs1794421394, ClinGen allele CA367886885.
Genomic context (GRCh38, chr7:82,915,321, plus strand): 5'-GTGATGTCATCTTGAAGGAGCCTTGCCCTGGAGGAAATGCCACCAATAGATGAAGTGCTA[G>A]AAGTCATATAGCTTGAATAATCAGGTTCAAGGTCTCTACTTTCTTGAATAGGTGAAAATT-3'
Protein context (NP_149015.2, residues 4212-4232): LEPDYSSYMT[Ser4222Phe]STSSIGGISS